The following is an entry in ClinVar:

NM_006031.6(PCNT):c.7111A>G (p.Ile2371Val)

Gene: PCNT (pericentrin; plus strand). Cytogenetic location: 21q22.3.
Variant type: single nucleotide variant.
Coding change: c.7111A>G on transcript NM_006031.6 (MANE Select); coding-DNA position 7111, A replaced by G.
Protein change: p.Ile2371Val; replaces isoleucine 2371 with valine.
Molecular consequence: missense variant.
Genome position (GRCh38, 1-based): chr21:46,422,056, A>G. VCF-style: chr21-46422056-A-G. GRCh37 (hg19) VCF-style: chr21-47841970-A-G.
Other names: c.7111A>G (NM_006031.5); c.6757A>G, p.Ile2253Val (NM_001315529.2); short protein forms I2371V, I2253V.
Identifiers: ClinVar variation 1363144 (VCV001363144.9), dbSNP rs770416863, ClinGen allele CA10080521.

ClinVar aggregate classification (germline): Uncertain significance. Review status: criteria provided, multiple submitters, no conflicts (2 of 4 stars). 2 submissions from 2 submitters: Uncertain significance (2). Last evaluated 2026-02-04.

Conditions:
PCNT-related disorder. Also called: PCNT-related condition.

Allele frequency attached by ClinVar (database versions not stated): gnomAD exomes 0.00001; ExAC 0.00002.

Submissions (2):

PreventionGenetics, part of Exact Sciences
Classification: Uncertain significance for PCNT-related condition. Last evaluated: 2026-02-04. Review status: criteria provided, single submitter. Criteria: ACMG Guidelines, 2015. Collection method: clinical testing. Allele origin: germline.
Comment: The PCNT c.7111A>G variant is predicted to result in the amino acid substitution p.Ile2371Val. To our knowledge, this variant has not been reported in the literature. This variant is reported in 0.011% of alleles in individuals of East Asian descent in gnomAD. At this time, the clinical significance of this variant is uncertain due to the absence of conclusive functional and genetic evidence.

Labcorp Genetics (formerly Invitae), Labcorp
Classification: Uncertain significance. Last evaluated: 2021-07-14. Review status: criteria provided, single submitter. Criteria: Invitae Variant Classification Sherloc (09022015). Collection method: clinical testing. Allele origin: germline.
Comment: This sequence change replaces isoleucine with valine at codon 2371 of the PCNT protein (p.Ile2371Val). The isoleucine residue is weakly conserved and there is a small physicochemical difference between isoleucine and valine. This variant is present in population databases (rs770416863, ExAC 0.02%). This variant has not been reported in the literature in individuals affected with PCNT-related conditions. Algorithms developed to predict the effect of missense changes on protein structure and function output the following: SIFT: "Tolerated"; PolyPhen-2: "Benign"; Align-GVGD: "Class C0". The valine amino acid residue is found in multiple mammalian species, which suggests that this missense change does not adversely affect protein function. In summary, the available evidence is currently insufficient to determine the role of this variant in disease. Therefore, it has been classified as a Variant of Uncertain Significance.